The following is an entry in ClinVar:

ClinVar aggregate classification (germline): Uncertain significance. Review status: criteria provided, multiple submitters, no conflicts (2 of 4 stars). 2 submissions from 2 submitters: Uncertain significance (2). Last evaluated 2025-01-26.

Submissions (2):

Ambry Genetics
Classification: Uncertain significance. Last evaluated: 2025-01-26. Review status: criteria provided, single submitter. Criteria: Ambry Variant Classification Scheme 2023. Collection method: clinical testing. Allele origin: germline.

Labcorp Genetics (formerly Invitae), Labcorp
Classification: Uncertain significance. Last evaluated: 2024-12-02. Review status: criteria provided, single submitter. Criteria: Invitae Variant Classification Sherloc (09022015). Collection method: clinical testing. Allele origin: germline.
Comment: This sequence change replaces arginine, which is basic and polar, with tryptophan, which is neutral and slightly polar, at codon 106 of the NAF1 protein (p.Arg106Trp). This variant is present in population databases (rs780671314, gnomAD 0.004%). This variant has not been reported in the literature in individuals affected with NAF1-related conditions. An algorithm developed to predict the effect of missense changes on protein structure and function (PolyPhen-2) suggests that this variant is likely to be tolerated. In summary, the available evidence is currently insufficient to determine the role of this variant in disease. Therefore, it has been classified as a Variant of Uncertain Significance.

NM_138386.3(NAF1):c.316C>T (p.Arg106Trp)

Gene: NAF1 (nuclear assembly factor 1 ribonucleoprotein; minus strand). Cytogenetic location: 4q32.2.
Variant type: single nucleotide variant.
Coding change: c.316C>T on transcript NM_138386.3 (MANE Select); coding-DNA position 316, C replaced by T.
Protein change: p.Arg106Trp; replaces arginine 106 with tryptophan.
Molecular consequence: missense variant.
Genome position (GRCh38, 1-based): chr4:163,166,412, G>A on the plus strand (C>T on the coding strand, the complement: NAF1 is on the minus strand). VCF-style: chr4-163166412-G-A. GRCh37 (hg19) VCF-style: chr4-164087564-G-A.
Other names: c.316C>T, p.Arg106Trp (NM_001128931.2); c.316C>T (NM_138386.2); short protein forms R106W.
Identifiers: ClinVar variation 3613020 (VCV003613020.3).